The following is an entry in ClinVar:

ClinVar aggregate classification (germline): Uncertain significance (1 of 4 stars; one submission).

Allele frequency attached by ClinVar (database versions not stated): gnomAD exomes below 0.00001.
gnomAD v4.1: 3 of 1,184,972 alleles (0.00025%); highest among the groups gnomAD compares: Non-Finnish European, 0.00023%; no homozygotes.

Submission:

Labcorp Genetics (formerly Invitae), Labcorp
Classification: Uncertain significance. Last evaluated: 2022-02-04. Review status: criteria provided, single submitter. Criteria: Invitae Variant Classification Sherloc (09022015). Collection method: clinical testing. Allele origin: germline.
Comment: This sequence change replaces serine, which is neutral and polar, with arginine, which is basic and polar, at codon 51 of the CHM protein (p.Ser51Arg). This variant is not present in population databases (gnomAD no frequency). This variant has not been reported in the literature in individuals affected with CHM-related conditions. ClinVar contains an entry for this variant (Variation ID: 1035416). Algorithms developed to predict the effect of missense changes on protein structure and function are either unavailable or do not agree on the potential impact of this missense change (SIFT: "Deleterious"; PolyPhen-2: "Probably Damaging"; Align-GVGD: "Class C15"). In summary, the available evidence is currently insufficient to determine the role of this variant in disease. Therefore, it has been classified as a Variant of Uncertain Significance.

NM_000390.4(CHM):c.153C>A (p.Ser51Arg)

Gene: CHM (CHM Rab escort protein; minus strand). Cytogenetic location: Xq21.2.
Variant type: single nucleotide variant.
Coding change: c.153C>A on transcript NM_000390.4 (MANE Select); coding-DNA position 153, C replaced by A.
Protein change: p.Ser51Arg; replaces serine 51 with arginine.
Molecular consequence: missense variant. On other transcripts: 5 prime UTR variant (4).
Genome position (GRCh38, 1-based): chrX:85,981,773, G>T on the plus strand (C>A on the coding strand, the complement: CHM is on the minus strand). VCF-style: chrX-85981773-G-T. GRCh37 (hg19) VCF-style: chrX-85236777-G-T.
Other names: c.153C>A, p.Ser51Arg (NM_001145414.4); c.-292C>A (NM_001320959.1, NM_001362517.1); c.-288C>A (NM_001362518.2, NM_001362519.1); short protein forms S51R.
Identifiers: ClinVar variation 1035416 (VCV001035416.6), dbSNP rs1479916294, ClinGen allele CA413788312.